The following is an entry in ClinVar:

NM_000059.4(BRCA2):c.9648+106del

Gene: BRCA2 (BRCA2 DNA repair associated; plus strand). Cytogenetic location: 13q13.1.
Variant type: Deletion.
Coding change: c.9648+106del on transcript NM_000059.4 (MANE Select); 106 bases into the intron after coding-DNA position 9648, one base deleted (T; older notation c.9648+106delT).
Molecular consequence: intron variant.
Genome position (GRCh38, 1-based): chr13:32,397,150, T deleted; the last of 2 consecutive T bases (chr13:32,397,149-32,397,150); deleting either gives the same sequence. VCF-style (leftmost placement, unchanged base first): chr13-32397148-AT-A. GRCh37 (hg19) VCF-style: chr13-32971285-AT-A.
Other names: IVS26+106delT; IVS 26+105del; c.9648+105delT (NM_000059.3); c.9648+106delT (NM_000059.3).
Identifiers: ClinVar variation 52879 (VCV000052879.9), dbSNP rs11571824, ClinGen allele CA026246.

ClinVar aggregate classification (germline): Benign. Review status: reviewed by expert panel (3 of 4 stars). 6 submissions from 6 submitters: Benign (1). 5 of the submissions do not count toward it. Last evaluated 2015-01-12.

Conditions:
Hereditary breast ovarian cancer syndrome. Also called: Hereditary breast and ovarian cancer syndrome; Hereditary breast and ovarian cancer; Hereditary breast and ovarian cancer syndrome (HBOC); Breast and ovarian cancer; Hereditary breast and/or ovarian cancer syndrome; BRCA1- and BRCA2-Associated Hereditary Breast and Ovarian Cancer. Identifiers: Orphanet 145, MedGen C0677776, MeSH D061325, MONDO:0003582. Disease mechanism: loss of function.
Breast-ovarian cancer, familial, susceptibility to, 2 (BROVCA2). Also called: BRCA2 Hereditary Breast and Ovarian Cancer. Identifiers: Orphanet 145, MedGen C2675520, MONDO:0012933, OMIM 612555. Disease mechanism: loss of function.

Submissions (6):

Evidence-based Network for the Interpretation of Germline Mutant Alleles (ENIGMA)
Classification: Benign for Breast-ovarian cancer, familial 2. Last evaluated: 2015-01-12. Review status: reviewed by expert panel. Criteria: ENIGMA BRCA1/2 Classification Criteria (2015). Collection method: curation. Allele origin: germline.
Comment: Class 1 not pathogenic based on frequency >1% in an outbred sampleset. Frequency 0.03 (African), derived from 1000 genomes (2012-04-30).

Labcorp Genetics (formerly Invitae), Labcorp
Classification: Benign for Hereditary breast ovarian cancer syndrome. Last evaluated: 2025-10-01. Review status: criteria provided, single submitter. Criteria: Invitae Variant Classification Sherloc (09022015). Collection method: clinical testing. Allele origin: germline. Not counted in ClinVar's aggregate classification.

Department of Pathology and Laboratory Medicine, Sinai Health System
Classification: Likely benign. Review status: criteria provided, single submitter. Criteria: ACMG Guidelines, 2015. Collection method: clinical testing. Allele origin: germline. Affected: yes. Study: The Canadian Open Genetics Repository (COGR). Not counted in ClinVar's aggregate classification.

Breast Cancer Information Core (BIC) (BRCA2)
Classification: Uncertain significance for Breast-ovarian cancer, familial 2. Last evaluated: 1998-11-30. Review status: no assertion criteria provided. Collection method: clinical testing. Allele origin: germline. Affected: yes. Observed: 1 variant allele. Not counted in ClinVar's aggregate classification.

Clinical Genetics DNA and cytogenetics Diagnostics Lab, Erasmus MC, Erasmus Medical Center
Classification: Benign. Review status: no assertion criteria provided. Collection method: clinical testing. Allele origin: germline. Affected: yes. Study: VKGL Data-share Consensus. Not counted in ClinVar's aggregate classification.

Clinical Genetics Laboratory, Department of Pathology, Netherlands Cancer Institute
Classification: Benign. Review status: no assertion criteria provided. Collection method: clinical testing. Allele origin: germline. Affected: yes. Study: VKGL Data-share Consensus. Not counted in ClinVar's aggregate classification.